The following is an entry in ClinVar:

ClinVar aggregate classification (germline): Likely pathogenic (1 of 4 stars; one submission).

Conditions:
Deficiency of UDPglucose-hexose-1-phosphate uridylyltransferase. Also called: GALACTOSE-1-PHOSPHATE URIDYLYLTRANSFERASE DEFICIENCY; Transferase Deficiency Galactosemia; GALACTOSEMIA I; GALT deficiency; Galactosemia, classic. Identifiers: Orphanet 352, Orphanet 79239, MedGen C0268151, MONDO:0009258, OMIM 230400.

Submission:

Myriad Genetics, Inc.
Classification: Likely pathogenic for Deficiency of UDPglucose-hexose-1-phosphate uridylyltransferase. Last evaluated: 2022-02-01. Review status: criteria provided, single submitter. Criteria: Myriad Women's Health Autosomal Recessive and X-Linked Classification Criteria (2021). Collection method: clinical testing. Allele origin: unknown.
Comment: NM_000155.3(GALT):c.849_850delGA(L283Ffs*4) is expected to be pathogenic in the context of galactosemia. This variant is predicted to lead to an abnormal or absent protein product due to the creation of a premature termination codon in GALT, a gene where loss-of-function variants are known to be pathogenic. Please note: this variant was assessed in the context of healthy population screening.

NM_000155.4(GALT):c.849_850del (p.Leu283fs)

Gene: GALT (galactose-1-phosphate uridylyltransferase; plus strand). Cytogenetic location: 9p13.3.
Variant type: Deletion.
Coding change: c.849_850del on transcript NM_000155.4 (MANE Select); coding-DNA positions 849 to 850, 2 bases deleted (GA; older notation c.849_850delGA).
Protein change: p.Leu283fs; shifts the reading frame from leucine 283.
Molecular consequence: frameshift variant.
Genome position (GRCh38, 1-based): chr9:34,649,026-34,649,027, GA deleted. VCF-style (leftmost placement, unchanged base first): chr9-34649025-TGA-T. GRCh37 (hg19) VCF-style: chr9-34649022-TGA-T.
Other names: c.522_523del, p.Leu174fs (NM_001258332.2); short protein forms L174fs, L283fs.
Identifiers: ClinVar variation 1724195 (VCV001724195.2), dbSNP rs2492873310, ClinGen allele CA2580080414.